The following is an entry in ClinVar:

ClinVar aggregate classification (germline): Uncertain significance (1 of 4 stars; one submission).

Conditions:
Intellectual developmental disorder, X-linked, syndromic 33. Also called: X-linked intellectual disability-global development delay-facial dysmorphism-sacral caudal remnant syndrome; Intellectual disability, X-linked, syndromic 33. Identifiers: Orphanet 480907, MedGen C4225418, MONDO:0010500, OMIM 300966.

Submission:

Centre for Mendelian Genomics, University Medical Centre Ljubljana
Classification: Uncertain significance for Intellectual developmental disorder, X-linked, syndromic 33. Last evaluated: 2019-12-02. Review status: criteria provided, single submitter. Criteria: ACMG Guidelines, 2015. Collection method: clinical testing. Allele origin: unknown. Affected: yes.
Comment: This variant was classified as: Uncertain significance. The available evidence on this variant's pathogenicity is insufficient or conflicting. The following ACMG criteria were applied in classifying this variant: PM2.

NM_004606.5(TAF1):c.5338_5339insGTAATCGATAGCAACATCAG (p.Met1780delinsSerAsnArgTer)

Gene: TAF1 (TATA-box binding protein associated factor 1; plus strand). Cytogenetic location: Xq13.1.
Variant type: Insertion.
Coding change: c.5338_5339insGTAATCGATAGCAACATCAG on transcript NM_004606.5 (MANE Select); coding-DNA positions 5338 to 5339, GTAATCGATAGCAACATCAG inserted.
Protein change: p.Met1780delinsSerAsnArgTer.
Molecular consequence: nonsense. On other transcripts: non-coding transcript variant (9).
Genome position: GRCh38 VCF-style: chrX-71460742-A-AGTAATCGATAGCAACATCAG. GRCh37 (hg19) VCF-style: chrX-70680592-A-AGTAATCGATAGCAACATCAG.
Other names: c.5344_5345insGTAATCGATAGCAACATCAG, p.Met1782delinsSerAsnArgTer (NM_001286074.2); c.5275_5276insGTAATCGATAGCAACATCAG, p.Met1759delinsSerAsnArgTer (NM_138923.4).
Identifiers: ClinVar variation 930604 (VCV000930604.3), dbSNP rs2038515067, ClinGen allele CA1139667636.
Genomic context (GRCh38, chrX:71,460,742, plus strand): 5'-CCCAAACAACCCCGCATGCTTCAGGAGAACACAAGGATGGACATGGAAAATGAAGAAAGC[A>AGTAATCGATAGCAACATCAG]TGATGTCCTATGAGGGAGACGGTGGGGAGGCTTCCCATGGTTTGGAGGATAGCAACATCA-3'